The following is an entry in ClinVar:

ClinVar aggregate classification (germline): Uncertain significance (1 of 4 stars; one submission).

Conditions:
Charcot-Marie-Tooth disease axonal type 2C (HMSN2C). Also called: Charcot-Marie-Tooth Disease Type 2, TRPV4-Related (CMT2C); CHARCOT-MARIE-TOOTH DISEASE, AXONAL, AUTOSOMAL DOMINANT, TYPE 2C; Charcot-Marie-Tooth Neuropathy Type 2C. Identifiers: Orphanet 99937, MedGen C1853710, MONDO:0011633, OMIM 606071.

Submission:

Labcorp Genetics (formerly Invitae), Labcorp
Classification: Uncertain significance for Charcot-Marie-Tooth disease axonal type 2C. Last evaluated: 2018-03-13. Review status: criteria provided, single submitter. Criteria: Invitae Variant Classification Sherloc (09022015). Collection method: clinical testing. Allele origin: germline.
Comment: In summary, the available evidence is currently insufficient to determine the role of this variant in disease. Therefore, it has been classified as a Variant of Uncertain Significance. Experimental studies and prediction algorithms are not available for this variant, and the functional significance of the deleted amino acid is currently unknown. This variant has not been reported in the literature in individuals with TRPV4-related disease. This variant is not present in population databases (ExAC no frequency). This variant, c.761_763delTGG, results in the deletion of 1 amino acid of the TRPV4 protein (p.Val254del), but otherwise preserves the integrity of the reading frame.

NM_021625.5(TRPV4):c.761_763del (p.Val254del)

Gene: TRPV4 (transient receptor potential cation channel subfamily V member 4; minus strand). Cytogenetic location: 12q24.11.
Variant type: Deletion.
Coding change: c.761_763del on transcript NM_021625.5 (MANE Select); coding-DNA positions 761 to 763, 3 bases deleted (TGG; older notation c.761_763delTGG).
Protein change: p.Val254del; deletes valine 254.
Molecular consequence: inframe deletion. On other transcripts: inframe indel (2), intron variant (2).
Genome position (GRCh38, 1-based): chr12:109,800,708-109,800,710, CCA deleted on the plus strand (TGG on the coding strand, the reverse complement: TRPV4 is on the minus strand); deleting any 3 consecutive bases within chr12:109,800,708-109,800,711 gives the same sequence; the c. name uses the placement nearest the transcript's 3' end. VCF-style (leftmost placement, unchanged base first): chr12-109800707-TCCA-T. GRCh37 (hg19) VCF-style: chr12-110238512-TCCA-T.
Other names: c.658_660delGTG, p.Val220del (NM_001177431.2); c.760_762delGTG, p.Val254del (NM_147204.3); c.713-1798_713-1796del (NM_001177433.1, NM_001177428.1); short protein forms V220del, V254del.
Identifiers: ClinVar variation 1005456 (VCV001005456.8), dbSNP rs1890724382, ClinGen allele CA2062574822.